The following is an entry in ClinVar:

ClinVar aggregate classification (germline): Benign (1 of 4 stars; one submission).

Allele frequency attached by ClinVar (database versions not stated): 1000 Genomes Project 30x 0.20206; 1000 Genomes Project 0.20327; TOPMed 0.27548; gnomAD 0.28554 and 0.28847.
gnomAD v4.1: 43,064 of 150,592 alleles (29%); highest among the groups gnomAD compares: Non-Finnish European, 37%; 6,769 homozygotes.

Submission:

GeneDx
Classification: Benign. Last evaluated: 2018-06-19. Review status: criteria provided, single submitter. Criteria: GeneDx Variant Classification (06012015). Collection method: clinical testing. Allele origin: germline. Affected: yes.
Comment: This variant is considered likely benign or benign based on one or more of the following criteria: it is a conservative change, it occurs at a poorly conserved position in the protein, it is predicted to be benign by multiple in silico algorithms, and/or has population frequency not consistent with disease.

NM_001844.5(COL2A1):c.1024-209C>A

Gene: COL2A1 (collagen type II alpha 1 chain; minus strand). Cytogenetic location: 12q13.11.
Variant type: single nucleotide variant.
Coding change: c.1024-209C>A on transcript NM_001844.5 (MANE Select); 209 bases into the intron before coding-DNA position 1024, C replaced by A.
Molecular consequence: intron variant.
Genome position (GRCh38, 1-based): chr12:47,990,014, G>T on the plus strand (C>A on the coding strand, the complement: COL2A1 is on the minus strand). VCF-style: chr12-47990014-G-T. GRCh37 (hg19) VCF-style: chr12-48383797-G-T.
Other names: c.817-209C>A (NM_033150.3).
Identifiers: ClinVar variation 677868 (VCV000677868.1), dbSNP rs11168342, ClinGen allele CA13588310.